The following is an entry in ClinVar:

NM_004999.4(MYO6):c.3824A>G (p.Tyr1275Cys)

Gene: MYO6 (myosin VI; plus strand). Cytogenetic location: 6q14.1.
Variant type: single nucleotide variant.
Coding change: c.3824A>G on transcript NM_004999.4 (MANE Select); coding-DNA position 3824, A replaced by G.
Protein change: p.Tyr1275Cys; replaces tyrosine 1275 with cysteine.
Molecular consequence: missense variant. On other transcripts: non-coding transcript variant (1).
Genome position (GRCh38, 1-based): chr6:75,914,978, A>G. VCF-style: chr6-75914978-A-G. GRCh37 (hg19) VCF-style: chr6-76624695-A-G.
Other names: c.3755A>G, p.Tyr1252Cys (NM_001300899.2); c.3728A>G, p.Tyr1243Cys (NM_001368136.1); c.3785A>G, p.Tyr1262Cys (NM_001368137.1); c.3740A>G, p.Tyr1247Cys (NM_001368138.1); c.3851A>G, p.Tyr1284Cys (NM_001368865.1); c.3824A>G, p.Tyr1275Cys (NM_001368866.1); short protein forms Y1275C, Y1243C, Y1247C, Y1252C, Y1262C, Y1284C.
Identifiers: ClinVar variation 45160 (VCV000045160.25), dbSNP rs146461956, ClinGen allele CA248638.

ClinVar aggregate classification (germline): Conflicting classifications of pathogenicity. Review status: criteria provided, conflicting classifications (1 of 4 stars). 7 submissions from 6 submitters: Uncertain significance (1); Benign (5); Likely benign (1). Last evaluated 2026-02-01.

Conditions:
Autosomal dominant nonsyndromic hearing loss 22. Also called: Autosomal dominant nonsyndromic deafness 22; DFNA 22. Identifiers: Orphanet 228012, MedGen C2931767, MONDO:0011660, OMIM 606346.
Autosomal recessive nonsyndromic hearing loss 37. Identifiers: Orphanet 90636, MedGen C1843028, MONDO:0011912, OMIM 607821.

Allele frequency attached by ClinVar (database versions not stated): ExAC 0.00535; gnomAD exomes 0.00636; ESP Exome Variant Server 0.00023; TOPMed 0.00235; 1000 Genomes Project 30x 0.00344; 1000 Genomes Project 0.00359; gnomAD 0.00424.
gnomAD v4.1: 3,373 of 1,613,628 alleles (0.21%); highest among the groups gnomAD compares: Admixed American, 2.1%; 46 homozygotes.

Submissions (7):

Labcorp Genetics (formerly Invitae), Labcorp
Classification: Benign. Last evaluated: 2026-02-01. Review status: criteria provided, single submitter. Criteria: Invitae Variant Classification Sherloc (09022015). Collection method: clinical testing. Allele origin: germline.

GeneDx
Classification: Benign. Last evaluated: 2018-07-02. Review status: criteria provided, single submitter. Criteria: GeneDx Variant Classification Process June 2021. Collection method: clinical testing. Allele origin: germline. Affected: yes.

Illumina Laboratory Services, Illumina
Classification: Benign for Autosomal dominant nonsyndromic hearing loss 22. Last evaluated: 2018-01-13. Review status: criteria provided, single submitter. Criteria: ICSL Variant Classification Criteria 13 December 2019. Collection method: clinical testing. Allele origin: germline.
Comment: This variant was observed in the ICSL laboratory as part of a predisposition screen in an ostensibly healthy population. It had not been previously curated by ICSL or reported in the Human Gene Mutation Database (HGMD: prior to June 1st, 2018), and was therefore a candidate for classification through an automated scoring system. Utilizing variant allele frequency, disease prevalence and penetrance estimates, and inheritance mode, an automated score was calculated to assess if this variant is too frequent to cause the disease. Based on the score and internal cut-off values, a variant classified as benign is not then subjected to further curation. The score for this variant resulted in a classification of benign for this disease.

Illumina Laboratory Services, Illumina
Classification: Uncertain significance for Autosomal recessive nonsyndromic hearing loss 37. Last evaluated: 2018-01-13. Review status: criteria provided, single submitter. Criteria: ICSL Variant Classification Criteria 13 December 2019. Collection method: clinical testing. Allele origin: germline.

Laboratory for Molecular Medicine, Mass General Brigham Personalized Medicine
Classification: Benign. Last evaluated: 2015-05-21. Review status: criteria provided, single submitter. Criteria: LMM Criteria. Collection method: clinical testing. Allele origin: germline. Observed: 13 variant alleles.
Comment: Tyr1275Cys in Exon 35 of MYO6: This variant is not expected to have clinical sig nificance because it has been identified in 0.5% (622/116228) of chromosomes by the Exome Aggregation Consortium (ExAC; dbSNP db SNP rs146461956).

Eurofins Ntd Llc (ga)
Classification: Benign. Last evaluated: 2015-05-06. Review status: criteria provided, single submitter. Criteria: EGL Classification Definitions 2015. Collection method: clinical testing. Allele origin: germline.

Genomic Diagnostic Laboratory, Division of Genomic Diagnostics, Children's Hospital of Philadelphia
Classification: Likely benign. Last evaluated: 2015-02-05. Review status: criteria provided, single submitter. Criteria: DGD Variant Analysis Guidelines. Collection method: clinical testing. Allele origin: unknown.